The following is an entry in ClinVar:

ClinVar aggregate classification (germline): Uncertain significance. Review status: criteria provided, multiple submitters, no conflicts (2 of 4 stars). 3 submissions from 3 submitters: Uncertain significance (3). Last evaluated 2025-11-25.

Conditions:
Inborn genetic diseases. Identifiers: MedGen C0950123, MeSH D030342.
Pseudohypoparathyroidism type 1B (PHP1B). Also called: PHP IB; Pseudohypoparathyroidism Type IB; Pseudohypoparathyroidism Ib (PHP-Ib). Identifiers: Orphanet 94089, MedGen C1864100, MONDO:0011301, OMIM 603233.

Allele frequency attached by ClinVar (database versions not stated): gnomAD 0.00005; gnomAD exomes 0.00006; ExAC 0.00008; ESP Exome Variant Server 0.00008; TOPMed 0.00011.

Submissions (3):

Labcorp Genetics (formerly Invitae), Labcorp
Classification: Uncertain significance. Last evaluated: 2025-11-25. Review status: criteria provided, single submitter. Criteria: Invitae Variant Classification Sherloc (09022015). Collection method: clinical testing. Allele origin: germline.
Comment: This sequence change replaces isoleucine, which is neutral and non-polar, with threonine, which is neutral and polar, at codon 261 of the STX16 protein (p.Ile261Thr). This variant is present in population databases (rs151312981, gnomAD 0.01%). This variant has not been reported in the literature in individuals affected with STX16-related conditions. ClinVar contains an entry for this variant (Variation ID: 3171734). Invitae Evidence Modeling of protein sequence and biophysical properties (such as structural, functional, and spatial information, amino acid conservation, physicochemical variation, residue mobility, and thermodynamic stability) indicates that this missense variant is not expected to disrupt STX16 protein function with a negative predictive value of 80%. In summary, the available evidence is currently insufficient to determine the role of this variant in disease. Therefore, it has been classified as a Variant of Uncertain Significance.

Fulgent Genetics
Classification: Uncertain significance for Pseudohypoparathyroidism type 1B. Last evaluated: 2024-04-30. Review status: criteria provided, single submitter. Criteria: ACMG Guidelines, 2015. Collection method: clinical testing. Allele origin: germline.

Ambry Genetics
Classification: Uncertain significance for Inborn genetic diseases. Last evaluated: 2024-01-17. Review status: criteria provided, single submitter. Criteria: Ambry Variant Classification Scheme 2023. Collection method: clinical testing. Allele origin: germline.

NM_001001433.3(STX16):c.782T>C (p.Ile261Thr)

Genes: STX16 (syntaxin 16; plus strand), STX16-NPEPL1 (STX16-NPEPL1 readthrough (NMD candidate); plus strand). Cytogenetic location: 20q13.32.
Variant type: single nucleotide variant.
Coding change: c.782T>C on transcript NM_001001433.3 (MANE Select); coding-DNA position 782, T replaced by C.
Protein change: p.Ile261Thr; replaces isoleucine 261 with threonine.
Molecular consequence: missense variant. On other transcripts: non-coding transcript variant (4).
Genome position (GRCh38, 1-based): chr20:58,671,287, T>C. VCF-style: chr20-58671287-T-C. GRCh37 (hg19) VCF-style: chr20-57246343-T-C.
Other names: c.770T>C, p.Ile257Thr (NM_001134772.3); c.731T>C, p.Ile244Thr (NM_001134773.3); c.623T>C, p.Ile208Thr (NM_001204868.2); c.719T>C, p.Ile240Thr (NM_003763.6); short protein forms I261T, I208T, I240T, I244T, I257T.
Identifiers: ClinVar variation 3171734 (VCV003171734.3), dbSNP rs151312981, ClinGen allele CA9925421.